The following is an entry in ClinVar:

NM_033109.5(PNPT1):c.1780T>G (p.Ser594Ala)

Gene: PNPT1 (polyribonucleotide nucleotidyltransferase 1; minus strand). Cytogenetic location: 2p16.1.
Variant type: single nucleotide variant.
Coding change: c.1780T>G on transcript NM_033109.5 (MANE Select); coding-DNA position 1780, T replaced by G.
Protein change: p.Ser594Ala; replaces serine 594 with alanine.
Molecular consequence: missense variant.
Genome position (GRCh38, 1-based): chr2:55,645,391, A>C on the plus strand (T>G on the coding strand, the complement: PNPT1 is on the minus strand). VCF-style: chr2-55645391-A-C. GRCh37 (hg19) VCF-style: chr2-55872526-A-C.
Other names: c.1780T>G (NM_033109.4); short protein forms S594A.
Identifiers: ClinVar variation 1136025 (VCV001136025.10), dbSNP rs200944866, ClinGen allele CA1667942.
Genomic context (GRCh38, chr2:55,645,391, plus strand): 5'-AAAATTTTAATGTATTACCTACAACAGGTCCATTTTCTTTTCTAGATGCTCGAGGTTTTG[A>C]AATAGTTTTGTTCATGATCTGTAATATCTCCTTTTTTGCCACTAGAAGAGAAAAACACAA-3'
Protein context (NP_149100.2, residues 584-604): EILQIMNKTI[Ser594Ala]KPRASRKENG

ClinVar aggregate classification (germline): Likely benign. Review status: criteria provided, multiple submitters, no conflicts (2 of 4 stars). 2 submissions from 2 submitters: Likely benign (2). Last evaluated 2025-11-24.

Conditions:
PNPT1-related disorder. Also called: PNPT1-related condition; PNPT1-related disorders.

Allele frequency attached by ClinVar (database versions not stated): gnomAD 0.00004 and 0.00007; gnomAD exomes 0.00006 and 0.00016; TOPMed 0.00007; ExAC 0.00014; 1000 Genomes Project 30x 0.00031; 1000 Genomes Project 0.00040.
gnomAD v4.1: 91 of 1,612,550 alleles (0.0056%); highest among the groups gnomAD compares: East Asian, 0.18%; no homozygotes.

Submissions (2):

Labcorp Genetics (formerly Invitae), Labcorp
Classification: Likely benign. Last evaluated: 2025-11-24. Review status: criteria provided, single submitter. Criteria: Invitae Variant Classification Sherloc (09022015). Collection method: clinical testing. Allele origin: germline.

PreventionGenetics, part of Exact Sciences
Classification: Likely benign for PNPT1-related condition. Last evaluated: 2025-09-04. Review status: criteria provided, single submitter. Criteria: ACMG Guidelines, 2015. Collection method: clinical testing. Allele origin: germline.
Comment: This variant is classified as likely benign based on ACMG/AMP sequence variant interpretation guidelines (Richards et al. 2015 PMID: 25741868, with internal and published modifications).